The following is an entry in ClinVar:

NM_002317.7(LOX):c.445G>A (p.Gly149Arg)

Genes: LOX (lysyl oxidase; minus strand), SRFBP1 (serum response factor binding protein 1; plus strand). Cytogenetic location: 5q23.1.
Variant type: single nucleotide variant.
Coding change: c.445G>A on transcript NM_002317.7 (MANE Select); coding-DNA position 445, G replaced by A.
Protein change: p.Gly149Arg; replaces glycine 149 with arginine.
Molecular consequence: missense variant.
Genome position (GRCh38, 1-based): chr5:122,077,541, C>T on the plus strand (G>A on the coding strand, the complement: LOX is on the minus strand). VCF-style: chr5-122077541-C-T. GRCh37 (hg19) VCF-style: chr5-121413236-C-T.
Other names: short protein forms G149R.
Identifiers: ClinVar variation 3695549 (VCV003695549.2).

ClinVar aggregate classification (germline): Uncertain significance (1 of 4 stars; one submission).

gnomAD v4.1: 3 of 1,613,592 alleles (0.00019%); highest among the groups gnomAD compares: Non-Finnish European, 0.00025%; no homozygotes.

Submission:

Labcorp Genetics (formerly Invitae), Labcorp
Classification: Uncertain significance. Last evaluated: 2024-07-21. Review status: criteria provided, single submitter. Criteria: Invitae Variant Classification Sherloc (09022015). Collection method: clinical testing. Allele origin: germline.
Comment: This sequence change replaces glycine, which is neutral and non-polar, with arginine, which is basic and polar, at codon 149 of the LOX protein (p.Gly149Arg). This variant is present in population databases (rs766969559, gnomAD 0.0009%). This variant has not been reported in the literature in individuals affected with LOX-related conditions. Advanced modeling of protein sequence and biophysical properties (such as structural, functional, and spatial information, amino acid conservation, physicochemical variation, residue mobility, and thermodynamic stability) performed at Invitae indicates that this missense variant is not expected to disrupt LOX protein function with a negative predictive value of 80%. In summary, the available evidence is currently insufficient to determine the role of this variant in disease. Therefore, it has been classified as a Variant of Uncertain Significance.